The following is an entry in ClinVar:

NC_000013.11:g.24882135T>C

Genes: CPAP (centrosome assembly and centriole elongation protein; minus strand), RNF17 (ring finger protein 17; plus strand). Cytogenetic location: 13q12.12.
Variant type: single nucleotide variant.
Genome position: GRCh38 VCF-style: chr13-24882135-T-C. GRCh37 (hg19) VCF-style: chr13-25456273-T-C.
Identifiers: ClinVar variation 2501591 (VCV002501591.1), dbSNP rs1045550615, ClinGen allele CA247123490.

ClinVar aggregate classification (germline): Likely benign (1 of 4 stars; one submission).

Allele frequency attached by ClinVar (database versions not stated): gnomAD 0.01004.
gnomAD v4.1: 110 of 10,950 alleles (1%); highest among the groups gnomAD compares: East Asian, 42%; 37 homozygotes.

Submission:

GeneDx
Classification: Likely benign. Last evaluated: 2022-01-24. Review status: criteria provided, single submitter. Criteria: GeneDx Variant Classification Process June 2021. Collection method: clinical testing. Allele origin: germline. Affected: yes.
Comment: See Variant Classification Assertion Criteria.